The following is an entry in ClinVar:

ClinVar aggregate classification (germline): Uncertain significance (1 of 4 stars; one submission).

Conditions:
Inborn genetic diseases. Identifiers: MedGen C0950123, MeSH D030342.

Allele frequency attached by ClinVar (database versions not stated): gnomAD exomes below 0.00001.
gnomAD v4.1: 2 of 1,613,986 alleles (0.00012%); highest among the groups gnomAD compares: South Asian, 0.0011%; no homozygotes.

Submission:

Ambry Genetics
Classification: Uncertain significance for Inborn genetic diseases. Last evaluated: 2026-01-14. Review status: criteria provided, single submitter. Criteria: Ambry Variant Classification Scheme 2023. Collection method: clinical testing. Allele origin: germline.
Comment: The p.H1103Y variant (also known as c.3307C>T), located in coding exon 14 of the FANCM gene, results from a C to T substitution at nucleotide position 3307. The histidine at codon 1103 is replaced by tyrosine, an amino acid with similar properties. This amino acid position is conserved. In addition, this alteration is predicted to be tolerated by in silico analysis. Based on the available evidence, the clinical significance of this variant remains unclear.

NM_020937.4(FANCM):c.3307C>T (p.His1103Tyr)

Gene: FANCM (FA complementation group M; plus strand). Cytogenetic location: 14q21.2.
Variant type: single nucleotide variant.
Coding change: c.3307C>T on transcript NM_020937.4 (MANE Select); coding-DNA position 3307, C replaced by T.
Protein change: p.His1103Tyr; replaces histidine 1103 with tyrosine.
Molecular consequence: missense variant.
Genome position (GRCh38, 1-based): chr14:45,176,061, C>T. VCF-style: chr14-45176061-C-T. GRCh37 (hg19) VCF-style: chr14-45645264-C-T.
Other names: c.3229C>T, p.His1077Tyr (NM_001308133.2); short protein forms H1103Y, H1077Y.
Identifiers: ClinVar variation 2618898 (VCV002618898.3), dbSNP rs2139247423, ClinGen allele CA389600957.